The following is an entry in ClinVar:

ClinVar aggregate classification (germline): Likely pathogenic (1 of 4 stars; one submission).

Conditions:
Bardet-Biedl syndrome (BBS). Identifiers: Orphanet 110, MedGen C0752166, MONDO:0015229.

Allele frequency attached by ClinVar (database versions not stated): gnomAD exomes below 0.00001.
gnomAD v4.1: 1 of 1,514,562 alleles (0.000066%); highest among the groups gnomAD compares: Non-Finnish European, 0.000092%; no homozygotes.

Submission:

Laboratory for Molecular Medicine, Mass General Brigham Personalized Medicine
Classification: Likely pathogenic for Bardet-Biedl syndrome. Last evaluated: 2019-12-04. Review status: criteria provided, single submitter. Criteria: LMM Criteria. Collection method: clinical testing. Allele origin: germline. Inheritance: Autosomal recessive inheritance. Observed: 1 variant allele.
Comment: The p.Trp99X variant in IFT172 has not been previously reported in individuals with short-rib thoracic dysplasia or in large population studies. This nonsense variant leads to a premature termination codon at position 99, which is predicted to lead to a truncated or absent protein. Additionally, this variant is located in the last three bases of the exon, which is part of the 5â€™ splice region. Computational tools predict a splicing impact. Homozygous or compound heterozygous pathogenic variants in the IFT172 gene have been shown to cause autosomal recessive ciliopathies including, short-rib thoracic dysplasia and Bardet Biedel syndrome (Halbritter 2013, Bujakowska 2015). In summary, although additional studies are required to fully establish its clinical significance, this variant meets criteria to be classified as likely pathogenic for autosomal recessive short-rib thoracic dysplasia. ACMG/AMP Criteria applied: PVS1, PM2.

Literature cited by the submitters: PubMed 24140113; PubMed 25168386.

NM_015662.3(IFT172):c.296G>A (p.Trp99Ter)

Gene: IFT172 (intraflagellar transport 172; minus strand). Cytogenetic location: 2p23.3.
Variant type: single nucleotide variant.
Coding change: c.296G>A on transcript NM_015662.3 (MANE Select); coding-DNA position 296, G replaced by A.
Protein change: p.Trp99Ter; replaces tryptophan 99 with a stop codon.
Molecular consequence: nonsense.
Genome position (GRCh38, 1-based): chr2:27,485,018, C>T on the plus strand (G>A on the coding strand, the complement: IFT172 is on the minus strand). VCF-style: chr2-27485018-C-T. GRCh37 (hg19) VCF-style: chr2-27707885-C-T.
Other names: short protein forms W99*.
Identifiers: ClinVar variation 930106 (VCV000930106.5), dbSNP rs1668654133, ClinGen allele CA346402206.